The following is an entry in ClinVar:

NM_001201543.2(FAM161A):c.172G>C (p.Ala58Pro)

Genes: FAM161A (FAM161 centrosomal protein A; minus strand), LOC129933843 (ATAC-STARR-seq lymphoblastoid active region 15839; plus strand). Cytogenetic location: 2p15.
Variant type: single nucleotide variant.
Coding change: c.172G>C on transcript NM_001201543.2 (MANE Select); coding-DNA position 172, G replaced by C.
Protein change: p.Ala58Pro; replaces alanine 58 with proline.
Molecular consequence: missense variant. On other transcripts: non-coding transcript variant (1).
Genome position (GRCh38, 1-based): chr2:61,853,870, C>G on the plus strand (G>C on the coding strand, the complement: FAM161A is on the minus strand). VCF-style: chr2-61853870-C-G. GRCh37 (hg19) VCF-style: chr2-62081005-C-G.
Other names: c.172G>C, p.Ala58Pro (NM_032180.3); short protein forms A58P.
Identifiers: ClinVar variation 2005295 (VCV002005295.4), dbSNP rs1673583656, ClinGen allele CA346989792.

ClinVar aggregate classification (germline): Uncertain significance (1 of 4 stars; one submission).

Submission:

Labcorp Genetics (formerly Invitae), Labcorp
Classification: Uncertain significance. Last evaluated: 2024-11-05. Review status: criteria provided, single submitter. Criteria: Invitae Variant Classification Sherloc (09022015). Collection method: clinical testing. Allele origin: germline.
Comment: This sequence change replaces alanine, which is neutral and non-polar, with proline, which is neutral and non-polar, at codon 58 of the FAM161A protein (p.Ala58Pro). This variant is not present in population databases (gnomAD no frequency). This variant has not been reported in the literature in individuals affected with FAM161A-related conditions. ClinVar contains an entry for this variant (Variation ID: 2005295). An algorithm developed to predict the effect of missense changes on protein structure and function (PolyPhen-2) suggests that this variant is likely to be tolerated. In summary, the available evidence is currently insufficient to determine the role of this variant in disease. Therefore, it has been classified as a Variant of Uncertain Significance.